The following is an entry in ClinVar:

ClinVar aggregate classification (germline): Pathogenic (1 of 4 stars; one submission).

Conditions:
Dilated cardiomyopathy 1O (CMD1O). Also called: CARDIOMYOPATHY, DILATED, WITH VENTRICULAR TACHYCARDIA. Identifiers: Orphanet 154, MedGen C1837839, MONDO:0012062, OMIM 608569.

Submission:

Labcorp Genetics (formerly Invitae), Labcorp
Classification: Pathogenic for Dilated cardiomyopathy 1O. Last evaluated: 2025-12-15. Review status: criteria provided, single submitter. Criteria: Invitae Variant Classification Sherloc (09022015). Collection method: clinical testing. Allele origin: germline.
Comment: This sequence change creates a premature translational stop signal (p.Ser93Glnfs*17) in the ABCC9 gene. It is expected to result in an absent or disrupted protein product. Loss-of-function variants in ABCC9 are known to be pathogenic (PMID: 31575858, 38217872). This variant is not present in population databases (gnomAD no frequency). This variant has not been reported in the literature in individuals affected with ABCC9-related conditions. For these reasons, this variant has been classified as Pathogenic.

Literature cited by the submitters: PubMed 31575858; PubMed 38217872.

NM_020297.4(ABCC9):c.277del (p.Ser93fs)

Gene: ABCC9 (ATP binding cassette subfamily C member 9; minus strand). Cytogenetic location: 12p12.1.
Variant type: Deletion.
Coding change: c.277del on transcript NM_020297.4 (MANE Select); coding-DNA position 277, one base deleted (T; older notation c.277delT).
Protein change: p.Ser93fs; shifts the reading frame from serine 93.
Molecular consequence: frameshift variant. On other transcripts: 5 prime UTR variant (1).
Genome position (GRCh38, 1-based): chr12:21,933,789, A deleted on the plus strand (T on the coding strand, the reverse complement: ABCC9 is on the minus strand); the first of 3 consecutive A bases (chr12:21,933,789-21,933,791); deleting any one gives the same sequence. VCF-style (leftmost placement, unchanged base first): chr12-21933788-GA-G. GRCh37 (hg19) VCF-style: chr12-22086722-GA-G.
Other names: c.277del, p.Ser93fs (NM_001377273.1, NM_005691.4); c.-178del (NM_001377274.1); short protein forms S93fs.
Identifiers: ClinVar variation 4733282 (VCV004733282.1).
Genomic context (GRCh38, chr12:21,933,788, plus strand): 5'-ATCAATATACCCACTGGTATACTGCAGTGGTATTATTTAACTTAGATCACTTACGAGTCT[GA>G]AACAATGCCTTCTGCTATTTCACAGACATGCACAAACAGGAGAGCGAATGTAAGAATCCA-3'